The following is an entry in ClinVar:

NM_032043.3(BRIP1):c.10A>T (p.Met4Leu)

Gene: BRIP1 (BRCA1 interacting DNA helicase 1; minus strand). Cytogenetic location: 17q23.2.
Variant type: single nucleotide variant.
Coding change: c.10A>T on transcript NM_032043.3 (MANE Select); coding-DNA position 10, A replaced by T.
Protein change: p.Met4Leu; replaces methionine 4 with leucine.
Molecular consequence: missense variant.
Genome position (GRCh38, 1-based): chr17:61,861,530, T>A on the plus strand (A>T on the coding strand, the complement: BRIP1 is on the minus strand). VCF-style: chr17-61861530-T-A. GRCh37 (hg19) VCF-style: chr17-59938891-T-A.
Other names: short protein forms M4L.
Identifiers: ClinVar variation 630050 (VCV000630050.8), dbSNP rs45512093, ClinGen allele CA400486084.

ClinVar aggregate classification (germline): Uncertain significance. Review status: criteria provided, multiple submitters, no conflicts (2 of 4 stars). 2 submissions from 2 submitters: Uncertain significance (2). Last evaluated 2023-01-18.

Conditions:
Hereditary cancer-predisposing syndrome. Also called: Neoplastic Syndromes, Hereditary; Tumor predisposition; Hereditary neoplastic syndrome; Hereditary Cancer Syndrome. Identifiers: Orphanet 140162, MedGen C0027672, MeSH D009386, MONDO:0015356.

gnomAD v4.1: 3 of 1,610,530 alleles (0.00019%); highest among the groups gnomAD compares: African/African-American, 0.0013%; no homozygotes.

Submissions (2):

Ambry Genetics
Classification: Uncertain significance for Hereditary cancer-predisposing syndrome. Last evaluated: 2023-01-18. Review status: criteria provided, single submitter. Criteria: Ambry Variant Classification Scheme 2023. Collection method: clinical testing. Allele origin: germline.
Comment: The p.M4L variant (also known as c.10A>T), located in coding exon 1 of the BRIP1 gene, results from an A to T substitution at nucleotide position 10. The methionine at codon 4 is replaced by leucine, an amino acid with highly similar properties. This amino acid position is poorly conserved in available vertebrate species. In addition, this alteration is predicted to be tolerated by in silico analysis. Since supporting evidence is limited at this time, the clinical significance of this alteration remains unclear.

Color Diagnostics, LLC DBA Color Health
Classification: Uncertain significance for Hereditary cancer-predisposing syndrome. Last evaluated: 2019-03-16. Review status: criteria provided, single submitter. Criteria: ACMG Guidelines, 2015. Collection method: clinical testing. Allele origin: germline.